The following is an entry in ClinVar:

ClinVar aggregate classification (germline): Likely benign (1 of 4 stars; one submission).

Allele frequency attached by ClinVar (database versions not stated): gnomAD 0.00002; ExAC 0.00003; 1000 Genomes Project 0.00020; 1000 Genomes Project 30x 0.00031.
gnomAD v4.1: 10 of 1,609,432 alleles (0.00062%); highest among the groups gnomAD compares: Admixed American, 0.0034%; no homozygotes.

Submission:

CeGaT Center for Human Genetics Tuebingen
Classification: Likely benign. Last evaluated: 2022-06-01. Review status: criteria provided, single submitter. Criteria: CeGaT Center For Human Genetics Tuebingen Variant Classification Criteria Version 2. Collection method: clinical testing. Allele origin: germline. Affected: yes. Observed: 1 variant allele.
Comment: PRR5-ARHGAP8: BP4, BP7

NM_181334.6(PRR5-ARHGAP8):c.348G>A (p.Ala116=)

Genes: ARHGAP8 (Rho GTPase activating protein 8; plus strand), PRR5-ARHGAP8 (PRR5-ARHGAP8 readthrough; plus strand). Cytogenetic location: 22q13.31.
Variant type: single nucleotide variant.
Coding change: c.348G>A on transcript NM_181334.6; coding-DNA position 348, G replaced by A.
Protein change: p.Ala116=; no amino-acid change (alanine 116 retained).
Molecular consequence: synonymous variant. On other transcripts: 5 prime UTR variant (3).
Genome position (GRCh38, 1-based): chr22:44,786,482, G>A. VCF-style: chr22-44786482-G-A. GRCh37 (hg19) VCF-style: chr22-45182362-G-A.
Other names: c.-46G>A (NM_001017526.2, NM_001198726.2, NM_181335.3).
Identifiers: ClinVar variation 2653276 (VCV002653276.23), dbSNP rs200246798, ClinGen allele CA10281333.